The following is an entry in ClinVar:

ClinVar aggregate classification (germline): Uncertain significance (1 of 4 stars; one submission).

Conditions:
Multiple endocrine neoplasia, type 2 (MEN2). Identifiers: Orphanet 653, MedGen C4048306, MONDO:0019003. Disease mechanism: gain of function.

Allele frequency attached by ClinVar (database versions not stated): gnomAD exomes below 0.00001; 1000 Genomes Project 30x 0.00016.

Submission:

Labcorp Genetics (formerly Invitae), Labcorp
Classification: Uncertain significance for Multiple endocrine neoplasia, type 2. Last evaluated: 2020-10-21. Review status: criteria provided, single submitter. Criteria: Invitae Variant Classification Sherloc (09022015). Collection method: clinical testing. Allele origin: germline.
Comment: In summary, the available evidence is currently insufficient to determine the role of this variant in disease. Therefore, it has been classified as a Variant of Uncertain Significance. Algorithms developed to predict the effect of missense changes on protein structure and function are either unavailable or do not agree on the potential impact of this missense change (SIFT: "Deleterious"; PolyPhen-2: "Probably Damaging"; Align-GVGD: "Class C0"). This variant has not been reported in the literature in individuals with RET-related conditions. ClinVar contains an entry for this variant (Variation ID: 543725). This variant is not present in population databases (ExAC no frequency). This sequence change replaces arginine with tryptophan at codon 721 of the RET protein (p.Arg721Trp). The arginine residue is highly conserved and there is a moderate physicochemical difference between arginine and tryptophan.

NM_020975.6(RET):c.2161C>T (p.Arg721Trp)

Gene: RET (ret proto-oncogene; plus strand). Cytogenetic location: 10q11.21.
Variant type: single nucleotide variant.
Coding change: c.2161C>T on transcript NM_020975.6 (MANE Select); coding-DNA position 2161, C replaced by T.
Protein change: p.Arg721Trp; replaces arginine 721 with tryptophan.
Molecular consequence: missense variant.
Genome position (GRCh38, 1-based): chr10:43,116,608, C>T. VCF-style: chr10-43116608-C-T. GRCh37 (hg19) VCF-style: chr10-43612056-C-T.
Other names: c.712C>T, p.Arg238Trp (NM_001406793.1, NM_001406794.1, NM_001406792.1); c.2161C>T, p.Arg721Trp (NM_020629.2, NM_020630.7, NM_000323.2 and 4 more transcripts); c.1435C>T, p.Arg479Trp (NM_001406778.1, NM_001406775.1, NM_001406776.1 and 1 more transcripts); c.1264C>T, p.Arg422Trp (NM_001406779.1, NM_001406780.1, NM_001406781.1 and 1 more transcripts); c.1135C>T, p.Arg379Trp (NM_001406783.1, NM_001406786.1); c.1171C>T, p.Arg391Trp (NM_001406784.1); c.1144C>T, p.Arg382Trp (NM_001406785.1); c.1129C>T, p.Arg377Trp (NM_001406787.1); and 10 more; short protein forms R721W, R467W, R286W, R589W, R625W, R326W, R379W, R391W.
Identifiers: ClinVar variation 543725 (VCV000543725.10), dbSNP rs1554819146, ClinGen allele CA376554248.